The following is an entry in ClinVar:

NM_004655.4(AXIN2):c.755G>C (p.Ser252Thr)

Gene: AXIN2 (axin 2; minus strand). Cytogenetic location: 17q24.1.
Variant type: single nucleotide variant.
Coding change: c.755G>C on transcript NM_004655.4 (MANE Select); coding-DNA position 755, G replaced by C.
Protein change: p.Ser252Thr; replaces serine 252 with threonine.
Molecular consequence: missense variant.
Genome position (GRCh38, 1-based): chr17:65,557,866, C>G on the plus strand (G>C on the coding strand, the complement: AXIN2 is on the minus strand). VCF-style: chr17-65557866-C-G. GRCh37 (hg19) VCF-style: chr17-63553984-C-G.
Other names: c.755G>C, p.Ser252Thr (NM_001363813.1); short protein forms S252T.
Identifiers: ClinVar variation 2560980 (VCV002560980.3), dbSNP rs750951236, ClinGen allele CA400680343.

ClinVar aggregate classification (germline): Uncertain significance (1 of 4 stars; one submission).

Conditions:
Hereditary cancer-predisposing syndrome. Also called: Neoplastic Syndromes, Hereditary; Hereditary Cancer Syndrome; Hereditary neoplastic syndrome; Tumor predisposition. Identifiers: Orphanet 140162, MedGen C0027672, MeSH D009386, MONDO:0015356.

Submission:

Ambry Genetics
Classification: Uncertain significance for Hereditary cancer-predisposing syndrome. Last evaluated: 2025-07-10. Review status: criteria provided, single submitter. Criteria: Ambry Variant Classification Scheme 2023. Collection method: clinical testing. Allele origin: germline.
Comment: The p.S252T variant (also known as c.755G>C), located in coding exon 1 of the AXIN2 gene, results from a G to C substitution at nucleotide position 755. The serine at codon 252 is replaced by threonine, an amino acid with similar properties. This amino acid position is conserved. In addition, this alteration is predicted to be tolerated by in silico analysis. Since supporting evidence is limited at this time, the clinical significance of this alteration remains unclear.